The following is an entry in ClinVar:

ClinVar aggregate classification (germline): Uncertain significance (1 of 4 stars; one submission).

Conditions:
Inborn genetic diseases. Identifiers: MedGen C0950123, MeSH D030342.

Submission:

Ambry Genetics
Classification: Uncertain significance for Inborn genetic diseases. Last evaluated: 2026-05-14. Review status: criteria provided, single submitter. Criteria: Ambry Variant Classification Scheme 2023. Collection method: clinical testing. Allele origin: germline.
Comment: The p.E891K variant (also known as c.2671G>A), located in coding exon 11 of the MECOM gene, results from a G to A substitution at nucleotide position 2671. The glutamic acid at codon 891 is replaced by lysine, an amino acid with similar properties. This amino acid position is conserved. In addition, this alteration is predicted to be tolerated by in silico analysis. Based on the available evidence, the clinical significance of this variant remains unclear.

NM_004991.4(MECOM):c.2671G>A (p.Glu891Lys)

Gene: MECOM (MDS1 and EVI1 complex locus; minus strand). Cytogenetic location: 3q26.2.
Variant type: single nucleotide variant.
Coding change: c.2671G>A on transcript NM_004991.4 (MANE Select); coding-DNA position 2671, G replaced by A.
Protein change: p.Glu891Lys; replaces glutamic acid 891 with lysine.
Molecular consequence: missense variant.
Genome position (GRCh38, 1-based): chr3:169,102,160, C>T on the plus strand (G>A on the coding strand, the complement: MECOM is on the minus strand). VCF-style: chr3-169102160-C-T. GRCh37 (hg19) VCF-style: chr3-168819948-C-T.
Other names: c.2302G>A, p.Glu768Lys (NM_001105077.4); c.2107G>A, p.Glu703Lys (NM_001105078.4, NM_001205194.2, NM_001366469.2 and 1 more transcripts); c.2083G>A, p.Glu695Lys (NM_001163999.2, NM_001366470.2); c.2080G>A, p.Glu694Lys (NM_001164000.2, NM_001366471.2, NM_001366472.2); c.2644G>A, p.Glu882Lys (NM_001366466.2); c.2110G>A, p.Glu704Lys (NM_001366467.2, NM_001366468.2); c.1672G>A, p.Glu558Lys (NM_001366473.2); c.1108G>A, p.Glu370Lys (NM_001366474.2); short protein forms E370K, E558K, E694K, E695K, E703K, E704K, E768K, E882K.
Identifiers: ClinVar variation 4859778 (VCV004859778.1).
Genomic context (GRCh38, chr3:169,102,160, plus strand): 5'-CTGGCAGGGCATTGGGAGGCGCCCTGAAGTTGAACATAGAGGGCACTGACTGTAAGAGCT[C>T]ACTGGCCTCAGGTTTCAGGGCACTGAAGCTCTCTAGCTTTTCTGCCATGTTTTCAATAGC-3'
Protein context (NP_004982.2, residues 881-901): SFSALKPEAS[Glu891Lys]LLQSVPSMFN